The following is an entry in ClinVar:

ClinVar aggregate classification (germline): Uncertain significance (1 of 4 stars; one submission).

Conditions:
Hereditary cancer-predisposing syndrome. Also called: Hereditary Cancer Syndrome; Tumor predisposition; Hereditary neoplastic syndrome; Neoplastic Syndromes, Hereditary. Identifiers: Orphanet 140162, MedGen C0027672, MeSH D009386, MONDO:0015356.

Submission:

Labcorp Genetics (formerly Invitae), Labcorp
Classification: Uncertain significance for Hereditary cancer-predisposing syndrome. Last evaluated: 2025-02-17. Review status: criteria provided, single submitter. Criteria: Invitae Variant Classification Sherloc (09022015). Collection method: clinical testing. Allele origin: germline.
Comment: This sequence change replaces lysine, which is basic and polar, with glutamine, which is neutral and polar, at codon 545 of the RAD50 protein (p.Lys545Gln). This variant is not present in population databases (gnomAD no frequency). This variant has not been reported in the literature in individuals affected with RAD50-related conditions. ClinVar contains an entry for this variant (Variation ID: 1053879). An algorithm developed to predict the effect of missense changes on protein structure and function (PolyPhen-2) suggests that this variant is likely to be disruptive. In summary, the available evidence is currently insufficient to determine the role of this variant in disease. Therefore, it has been classified as a Variant of Uncertain Significance.

NM_005732.4(RAD50):c.1633A>C (p.Lys545Gln)

Gene: RAD50 (RAD50 double strand break repair protein; plus strand). Cytogenetic location: 5q31.1.
Variant type: single nucleotide variant.
Coding change: c.1633A>C on transcript NM_005732.4 (MANE Select); coding-DNA position 1633, A replaced by C.
Protein change: p.Lys545Gln; replaces lysine 545 with glutamine.
Molecular consequence: missense variant.
Genome position (GRCh38, 1-based): chr5:132,591,404, A>C. VCF-style: chr5-132591404-A-C. GRCh37 (hg19) VCF-style: chr5-131927096-A-C.
Other names: short protein forms K545Q.
Identifiers: ClinVar variation 1053879 (VCV001053879.9), dbSNP rs1253904315, ClinGen allele CA360946208.
Genomic context (GRCh38, chr5:132,591,404, plus strand): 5'-ATGGAGCAGTTAAACCATCATACAACAACACGTACCCAAATGGAGATGCTGACCAAAGAC[A>C]AAGTATGATTTTTCTTTTTGTTCTAATTATACTGTCTGGTACTTAAAATAGCCTACCTTG-3'
Protein context (NP_005723.2, residues 535-555): RTQMEMLTKD[Lys545Gln]ADKDEQIRKI